The following is an entry in ClinVar:

NM_001039876.3(SYNE4):c.973-2A>T

Gene: SYNE4 (spectrin repeat containing nuclear envelope family member 4; minus strand). Cytogenetic location: 19q13.12.
Variant type: single nucleotide variant.
Coding change: c.973-2A>T on transcript NM_001039876.3 (MANE Select); the canonical splice acceptor site of the intron before coding-DNA position 973, A replaced by T.
Molecular consequence: splice acceptor variant.
Genome position (GRCh38, 1-based): chr19:36,003,673, T>A on the plus strand (A>T on the coding strand, the complement: SYNE4 is on the minus strand). VCF-style: chr19-36003673-T-A. GRCh37 (hg19) VCF-style: chr19-36494575-T-A.
Other names: c.634-2A>T (NM_001297735.3).
Identifiers: ClinVar variation 2501099 (VCV002501099.6), dbSNP rs2514026839, ClinGen allele CA405428537.
Genomic context (GRCh38, chr19:36,003,673, plus strand): 5'-CCTGGATTCCCCTCCAGCCTCACATCCTGGAGATGAGGAGATGCTTGCCTCTTCTTGTCC[T>A]AAGGAGGGAGAGCAGCCAGCAGCAGAATGGATAGAAATGATGCTTTATTTGTTTATTTAT-3'

ClinVar aggregate classification (germline): Likely pathogenic. Review status: criteria provided, multiple submitters, no conflicts (2 of 4 stars). 2 submissions from 2 submitters: Likely pathogenic (2). Last evaluated 2025-04-17.

Conditions:
Nonsyndromic genetic hearing loss. Also called: Nonsyndromic hearing loss and deafness; Non-syndromic genetic deafness; Nonsyndromic genetic deafness. Identifiers: Orphanet 87884, MedGen C5680182, MONDO:0019497.

gnomAD v4.1: 1 of 1,612,304 alleles (0.000062%); no homozygotes.

Submissions (2):

Women's Health and Genetics/Laboratory Corporation of America, LabCorp
Classification: Likely pathogenic for Nonsyndromic genetic hearing loss. Last evaluated: 2025-04-17. Review status: criteria provided, single submitter. Criteria: LabCorp Variant Classification Summary - May 2015. Collection method: clinical testing. Allele origin: germline.
Comment: Variant summary: SYNE4 c.973-2A>T is located in a canonical splice-site and is predicted to affect mRNA splicing resulting in a significantly altered protein due to either exon skipping, shortening, or inclusion of intronic material. Variants that disrupt the consensus splice site are a relatively common cause of aberrant splicing and loss of SYNE4 function. Several computational tools predict a significant impact on normal splicing: Four predict the variant abolishes a 3 acceptor site. However, these predictions have yet to be confirmed by functional studies. The frequency data for this variant in gnomAD is considered unreliable, as metrics indicate poor data quality at this position. To our knowledge, no occurrence of c.973-2A>T in individuals affected with Nonsyndromic Hearing Loss And Deafness, Type 76 and no experimental evidence demonstrating its impact on protein function have been reported. ClinVar contains an entry for this variant (Variation ID: 2501099). Based on the evidence outlined above, the variant was classified as likely pathogenic.

Labcorp Genetics (formerly Invitae), Labcorp
Classification: Likely pathogenic. Last evaluated: 2023-09-08. Review status: criteria provided, single submitter. Criteria: Invitae Variant Classification Sherloc (09022015). Collection method: clinical testing. Allele origin: germline.
Comment: In summary, the currently available evidence indicates that the variant is pathogenic, but additional data are needed to prove that conclusively. Therefore, this variant has been classified as Likely Pathogenic. Algorithms developed to predict the effect of sequence changes on RNA splicing suggest that this variant may disrupt the consensus splice site. ClinVar contains an entry for this variant (Variation ID: 2501099). This variant has not been reported in the literature in individuals affected with SYNE4-related conditions. This variant is not present in population databases (gnomAD no frequency). This sequence change affects an acceptor splice site in intron 6 of the SYNE4 gene. It is expected to disrupt RNA splicing. Variants that disrupt the donor or acceptor splice site typically lead to a loss of protein function (PMID: 16199547), and loss-of-function variants in SYNE4 are known to be pathogenic (PMID: 23348741, 28958982).

Literature cited by the submitters: PubMed 16199547 (cited by Labcorp Genetics (formerly Invitae), Labcorp); PubMed 23348741 (cited by Labcorp Genetics (formerly Invitae), Labcorp); PubMed 28958982 (cited by Labcorp Genetics (formerly Invitae), Labcorp).